The following is an entry in ClinVar:

NM_030973.4(MED25):c.311T>C (p.Met104Thr)

Gene: MED25 (mediator complex subunit 25; plus strand). Cytogenetic location: 19q13.33.
Variant type: single nucleotide variant.
Coding change: c.311T>C on transcript NM_030973.4 (MANE Select); coding-DNA position 311, T replaced by C.
Protein change: p.Met104Thr; replaces methionine 104 with threonine.
Molecular consequence: missense variant.
Genome position (GRCh38, 1-based): chr19:49,828,454, T>C. VCF-style: chr19-49828454-T-C. GRCh37 (hg19) VCF-style: chr19-50331711-T-C.
Other names: c.311T>C, p.Met104Thr (NM_001378355.1); short protein forms M104T.
Identifiers: ClinVar variation 2142033 (VCV002142033.4), dbSNP rs749658416, ClinGen allele CA9584807.

ClinVar aggregate classification (germline): Uncertain significance (1 of 4 stars; one submission).

Conditions:
Charcot-Marie-Tooth disease type 2. Also called: Charcot-Marie-Tooth type 2. Identifiers: Orphanet 64746, MedGen C0270914, MONDO:0018993.

Allele frequency attached by ClinVar (database versions not stated): gnomAD exomes below 0.00001; TOPMed below 0.00001; ExAC 0.00001; gnomAD 0.00001.

Submission:

Labcorp Genetics (formerly Invitae), Labcorp
Classification: Uncertain significance for Charcot-Marie-Tooth disease type 2. Last evaluated: 2022-08-20. Review status: criteria provided, single submitter. Criteria: Invitae Variant Classification Sherloc (09022015). Collection method: clinical testing. Allele origin: germline.
Comment: In summary, the available evidence is currently insufficient to determine the role of this variant in disease. Therefore, it has been classified as a Variant of Uncertain Significance. Algorithms developed to predict the effect of missense changes on protein structure and function are either unavailable or do not agree on the potential impact of this missense change (SIFT: "Deleterious"; PolyPhen-2: "Benign"; Align-GVGD: "Class C0"). This variant has not been reported in the literature in individuals affected with MED25-related conditions. This variant is not present in population databases (gnomAD no frequency). This sequence change replaces methionine, which is neutral and non-polar, with threonine, which is neutral and polar, at codon 104 of the MED25 protein (p.Met104Thr).